The following is an entry in ClinVar:

ClinVar aggregate classification (germline): Uncertain significance (1 of 4 stars; one submission).

gnomAD v4.1: 3 of 1,593,972 alleles (0.00019%); highest among the groups gnomAD compares: East Asian, 0.0068%; no homozygotes.

Submission:

GeneDx
Classification: Uncertain significance. Last evaluated: 2025-04-04. Review status: criteria provided, single submitter. Criteria: GeneDx Variant Classification Process June 2021. Collection method: clinical testing. Allele origin: germline.
Comment: Not observed at significant frequency in large population cohorts (gnomAD); In silico analysis indicates that this missense variant does not alter protein structure/function; Has not been previously published as pathogenic or benign to our knowledge

NM_001127222.2(CACNA1A):c.6091G>T (p.Val2031Leu)

Gene: CACNA1A (calcium voltage-gated channel subunit alpha1 A; minus strand). Cytogenetic location: 19p13.13.
Variant type: single nucleotide variant.
Coding change: c.6091G>T on transcript NM_001127222.2 (MANE Select); coding-DNA position 6091, G replaced by T.
Protein change: p.Val2031Leu; replaces valine 2031 with leucine.
Molecular consequence: missense variant.
Genome position (GRCh38, 1-based): chr19:13,212,482, C>A on the plus strand (G>T on the coding strand, the complement: CACNA1A is on the minus strand). VCF-style: chr19-13212482-C-A. GRCh37 (hg19) VCF-style: chr19-13323296-C-A.
Other names: c.6109G>T, p.Val2037Leu (NM_000068.4, NM_023035.3); c.6094G>T, p.Val2032Leu (NM_001127221.2); c.6100G>T, p.Val2034Leu (NM_001174080.2); short protein forms V2031L, V2032L, V2034L, V2037L.
Identifiers: ClinVar variation 3764455 (VCV003764455.2).